The following is an entry in ClinVar:

ClinVar aggregate classification (germline): Uncertain significance (1 of 4 stars; one submission).

Conditions:
Alzheimer disease. Also called: Presenile and senile dementia; Alzheimer's disease. Identifiers: Orphanet 1020, MedGen C0002395, MeSH D000544, MONDO:0004975, HP:0002511.

Submission:

Labcorp Genetics (formerly Invitae), Labcorp
Classification: Uncertain significance for Alzheimer disease. Last evaluated: 2021-05-05. Review status: criteria provided, single submitter. Criteria: Invitae Variant Classification Sherloc (09022015). Collection method: clinical testing. Allele origin: germline.
Comment: In summary, the available evidence is currently insufficient to determine the role of this variant in disease. Therefore, it has been classified as a Variant of Uncertain Significance. This variant has not been reported in the literature in individuals with APP-related conditions. This variant results in a copy number gain of the genomic region encompassing exon(s) 1-3 of the APP gene. This region includes the initiator codon of the gene. The 5' end of this event is unknown as it extends beyond the assayed region for this gene and therefore may encompass additional genes. The 3' boundary is likely confined to intron 3 of the APP gene. As the precise location of this event is unknown, it may be in tandem or it may be located elsewhere in the genome.

NC_000021.8:g.(?_27462239)_(27542938_?)dup

Gene: APP (amyloid beta precursor protein; minus strand). Cytogenetic location: 21q21.3.
Variant type: Duplication.
Identifiers: ClinVar variation 1510801 (VCV001510801.6).